The following is an entry in ClinVar:

NM_182914.3(SYNE2):c.16514G>A (p.Arg5505Gln)

Gene: SYNE2 (spectrin repeat containing nuclear envelope protein 2; plus strand). Cytogenetic location: 14q23.2.
Variant type: single nucleotide variant.
Coding change: c.16514G>A on transcript NM_182914.3 (MANE Select); coding-DNA position 16514, G replaced by A.
Protein change: p.Arg5505Gln; replaces arginine 5505 with glutamine.
Molecular consequence: missense variant.
Genome position (GRCh38, 1-based): chr14:64,165,319, G>A. VCF-style: chr14-64165319-G-A. GRCh37 (hg19) VCF-style: chr14-64632037-G-A.
Other names: c.16514G>A, p.Arg5505Gln (NM_015180.6); short protein forms R5505Q.
Identifiers: ClinVar variation 1000604 (VCV001000604.9), dbSNP rs552897930, ClinGen allele CA261829215.

ClinVar aggregate classification (germline): Uncertain significance (1 of 4 stars; one submission).

Conditions:
Emery-Dreifuss muscular dystrophy 5, autosomal dominant (EDMD5). Also called: EMERY-DREIFUSS MUSCULAR DYSTROPHY 5. Identifiers: Orphanet 261, MedGen C2751805, MONDO:0013072, OMIM 612999.

Allele frequency attached by ClinVar (database versions not stated): gnomAD exomes below 0.00001; TOPMed below 0.00001; gnomAD 0.00001; 1000 Genomes Project 30x 0.00016; 1000 Genomes Project 0.00020.
gnomAD v4.1: 7 of 1,613,844 alleles (0.00043%); highest among the groups gnomAD compares: African/African-American, 0.0013%; no homozygotes.

Submission:

Labcorp Genetics (formerly Invitae), Labcorp
Classification: Uncertain significance for Emery-Dreifuss muscular dystrophy 5, autosomal dominant. Last evaluated: 2025-06-29. Review status: criteria provided, single submitter. Criteria: Invitae Variant Classification Sherloc (09022015). Collection method: clinical testing. Allele origin: germline.
Comment: This sequence change replaces arginine, which is basic and polar, with glutamine, which is neutral and polar, at codon 5505 of the SYNE2 protein (p.Arg5505Gln). This variant is not present in population databases (gnomAD no frequency). This variant has not been reported in the literature in individuals affected with SYNE2-related conditions. ClinVar contains an entry for this variant (Variation ID: 1000604). An algorithm developed to predict the effect of missense changes on protein structure and function outputs the following: PolyPhen-2: "Benign". The glutamine amino acid residue is found in multiple mammalian species, which suggests that this missense change does not adversely affect protein function. In summary, the available evidence is currently insufficient to determine the role of this variant in disease. Therefore, it has been classified as a Variant of Uncertain Significance.